The following is an entry in ClinVar:

ClinVar aggregate classification (germline): Benign/Likely benign. Review status: criteria provided, multiple submitters, no conflicts (2 of 4 stars). 2 submissions from 2 submitters: Benign (1); Likely benign (1). Last evaluated 2025-02-07.

Conditions:
Colorectal cancer, susceptibility to, 12 (CRCS12). Also called: COLORECTAL CANCER, SUSCEPTIBILITY TO, ON CHROMOSOME 12q24. Identifiers: Orphanet 220460, MedGen C3554460, MONDO:0014038, OMIM 615083.
Hereditary cancer-predisposing syndrome. Also called: Neoplastic Syndromes, Hereditary; Tumor predisposition; Hereditary neoplastic syndrome; Hereditary Cancer Syndrome. Identifiers: Orphanet 140162, MedGen C0027672, MeSH D009386, MONDO:0015356.

Submissions (2):

Myriad Genetics, Inc.
Classification: Benign for Colorectal cancer, susceptibility to, 12. Last evaluated: 2025-02-07. Review status: criteria provided, single submitter. Criteria: Myriad Autosomal Dominant, Autosomal Recessive and X-Linked Classification Criteria (2023). Collection method: clinical testing. Allele origin: unknown.
Comment: This variant is considered benign. This variant is a silent/synonymous amino acid change and it is not expected to impact splicing.

Ambry Genetics
Classification: Likely benign for Hereditary cancer-predisposing syndrome. Last evaluated: 2024-06-20. Review status: criteria provided, single submitter. Criteria: Ambry Variant Classification Scheme 2023. Collection method: clinical testing. Allele origin: germline.

NM_006231.4(POLE):c.969C>T (p.Thr323=)

Gene: POLE (DNA polymerase epsilon, catalytic subunit; minus strand). Cytogenetic location: 12q24.33.
Variant type: single nucleotide variant.
Coding change: c.969C>T on transcript NM_006231.4 (MANE Select); coding-DNA position 969, C replaced by T.
Protein change: p.Thr323=; no amino-acid change (threonine 323 retained).
Molecular consequence: synonymous variant.
Genome position (GRCh38, 1-based): chr12:132,676,145, G>A on the plus strand (C>T on the coding strand, the complement: POLE is on the minus strand). VCF-style: chr12-132676145-G-A. GRCh37 (hg19) VCF-style: chr12-133252731-G-A.
Identifiers: ClinVar variation 3308441 (VCV003308441.2).